The following is an entry in ClinVar:

NM_003074.4(SMARCC1):c.1062G>A (p.Lys354=)

Gene: SMARCC1 (SWI/SNF related BAF chromatin remodeling complex subunit C1; minus strand). Cytogenetic location: 3p21.31.
Variant type: single nucleotide variant.
Coding change: c.1062G>A on transcript NM_003074.4 (MANE Select); coding-DNA position 1062, G replaced by A.
Protein change: p.Lys354=; no amino-acid change (lysine 354 retained).
Molecular consequence: synonymous variant.
Genome position (GRCh38, 1-based): chr3:47,701,381, C>T on the plus strand (G>A on the coding strand, the complement: SMARCC1 is on the minus strand). VCF-style: chr3-47701381-C-T. GRCh37 (hg19) VCF-style: chr3-47742871-C-T.
Identifiers: ClinVar variation 4534011 (VCV004534011.6).

ClinVar aggregate classification (germline): Likely benign (1 of 4 stars; one submission).

gnomAD v4.1: 852 of 1,613,856 alleles (0.053%); highest among the groups gnomAD compares: South Asian, 0.89%; 5 homozygotes.

Submission:

CeGaT Center for Human Genetics Tuebingen
Classification: Likely benign. Last evaluated: 2025-11-01. Review status: criteria provided, single submitter. Criteria: CeGaT Center For Human Genetics Tuebingen Variant Classification Criteria Version 2. Collection method: clinical testing. Allele origin: germline. Affected: yes. Observed: 1 variant allele.
Comment: SMARCC1: BP4, BP7